The following is an entry in ClinVar:

ClinVar aggregate classification (germline): Likely pathogenic (1 of 4 stars; one submission).

Conditions:
CFTR-related disorder (CFTR-RD). Also called: CFTR-related disorders; CFTR-related condition. Identifiers: MedGen C5924204, MONDO:7770004.

Submission:

Natera, Inc.
Classification: Likely pathogenic for CFTR-related disorders. Last evaluated: 2025-10-13. Review status: criteria provided, single submitter. Criteria: Natera Variant Classification Schema (03/2026). Collection method: clinical testing. Allele origin: germline.
Comment: The c.1949dup variant in CFTR is a frameshift variant predicted to shift the reading frame beginning at codon 651 and leads to a stop codon 4 codons downstream. This variant is expected to result in nonsense mediated decay, truncation, or a dysfunctional protein product. This variant is rare in the general population with a frequency below the threshold expected for the associated phenotype(s). Given the available evidence, this variant is classified as Likely Pathogenic.

NM_000492.4(CFTR):c.1949dup (p.Asp651fs)

Gene: CFTR (CF transmembrane conductance regulator; plus strand). Cytogenetic location: 7q31.2.
Variant type: Duplication.
Coding change: c.1949dup on transcript NM_000492.4 (MANE Select); coding-DNA position 1949, one base duplicated (T; older notation c.1949dupT).
Protein change: p.Asp651fs; shifts the reading frame from aspartic acid 651.
Molecular consequence: frameshift variant.
Genome position (GRCh38, 1-based): chr7:117,592,116, T duplicated; the last of 3 consecutive T bases (chr7:117,592,114-117,592,116); duplicating any one gives the same sequence. VCF-style (leftmost placement, unchanged base first): chr7-117592113-C-CT. GRCh37 (hg19) VCF-style: chr7-117232167-C-CT.
Other names: short protein forms D651fs.
Identifiers: ClinVar variation 4818490 (VCV004818490.1).